The following is an entry in ClinVar:

NM_002474.3(MYH11):c.300C>T (p.Ser100=)

Gene: MYH11 (myosin heavy chain 11; minus strand). Cytogenetic location: 16p13.11.
Variant type: single nucleotide variant.
Coding change: c.300C>T on transcript NM_002474.3 (MANE Select); coding-DNA position 300, C replaced by T.
Protein change: p.Ser100=; no amino-acid change (serine 100 retained).
Molecular consequence: synonymous variant.
Genome position (GRCh38, 1-based): chr16:15,837,953, G>A on the plus strand (C>T on the coding strand, the complement: MYH11 is on the minus strand). VCF-style: chr16-15837953-G-A. GRCh37 (hg19) VCF-style: chr16-15931810-G-A.
Other names: p.Ser100=; c.300C>T, p.Ser100= (NM_001040113.2, NM_001040114.2, NM_022844.3).
Identifiers: ClinVar variation 465720 (VCV000465720.27), dbSNP rs111662326, ClinGen allele CA7923098.

ClinVar aggregate classification (germline): Benign/Likely benign. Review status: criteria provided, multiple submitters, no conflicts (2 of 4 stars). 12 submissions from 12 submitters: Benign (5); Likely benign (6). 1 of the submissions does not count toward it. Last evaluated 2026-06-01.

Conditions:
MYH11-related disorder. Also called: MYH11-related condition.
Familial thoracic aortic aneurysm and aortic dissection (TAAD). Also called: Thoracic aortic aneurysms and dissections. Identifiers: Orphanet 91387, MedGen C4707243, MONDO:0019625.
Aortic aneurysm, familial thoracic 4 (AAT4). Also called: AORTIC ANEURYSM/AORTIC DISSECTION AND PATENT DUCTUS ARTERIOSUS. Identifiers: MedGen C1851504, MONDO:0007568, OMIM 132900.

Allele frequency attached by ClinVar (database versions not stated): gnomAD 0.00008 and 0.00011; ExAC 0.00013; gnomAD exomes 0.00013 and 0.00018; TOPMed 0.00024; 1000 Genomes Project 0.00100; 1000 Genomes Project 30x 0.00109.
gnomAD v4.1: 208 of 1,614,042 alleles (0.013%); highest among the groups gnomAD compares: East Asian, 0.19%; no homozygotes.

Submissions (12):

CeGaT Center for Human Genetics Tuebingen
Classification: Likely benign. Last evaluated: 2026-06-01. Review status: criteria provided, single submitter. Criteria: CeGaT Center For Human Genetics Tuebingen Variant Classification Criteria Version 2. Collection method: clinical testing. Allele origin: germline. Affected: yes. Observed: 1 variant allele.
Comment: MYH11: BP4, BP7

PreventionGenetics, part of Exact Sciences
Classification: Likely benign for MYH11-related condition. Last evaluated: 2026-02-07. Review status: criteria provided, single submitter. Criteria: ACMG Guidelines, 2015. Collection method: clinical testing. Allele origin: germline.
Comment: This variant is classified as likely benign based on ACMG/AMP sequence variant interpretation guidelines (Richards et al. 2015 PMID: 25741868, with internal and published modifications).

Labcorp Genetics (formerly Invitae), Labcorp
Classification: Benign for Aortic aneurysm, familial thoracic 4. Last evaluated: 2026-01-05. Review status: criteria provided, single submitter. Criteria: Invitae Variant Classification Sherloc (09022015). Collection method: clinical testing. Allele origin: germline.

Mayo Clinic Laboratories, Mayo Clinic
Classification: Likely benign. Last evaluated: 2025-05-05. Review status: criteria provided, single submitter. Criteria: ACMG Guidelines, 2015. Collection method: clinical testing. Allele origin: germline. Observed: 1 variant allele.
Comment: BS1, BP4, BP7

Blueprint Genetics
Classification: Likely benign. Last evaluated: 2024-05-28. Review status: criteria provided, single submitter. Criteria: ACMG Guidelines, 2015. Collection method: clinical testing. Allele origin: germline.

All of Us Research Program, National Institutes of Health
Classification: Benign for Familial thoracic aortic aneurysm and aortic dissection. Last evaluated: 2024-02-05. Review status: criteria provided, single submitter. Criteria: ACMG Guidelines, 2015. Collection method: clinical testing. Allele origin: germline. Inheritance: Autosomal dominant inheritance. Observed: 34 variant alleles, 34 heterozygotes.
Comment: This study involves interpretation of variants in research participants for the purpose of population health screening. Participant phenotype was not available at the time of variant classification. Additional details can be found in publication PMID: 35346344, PMCID: PMC8962531

Color Diagnostics, LLC DBA Color Health
Classification: Benign for Familial thoracic aortic aneurysm and aortic dissection. Last evaluated: 2018-05-11. Review status: criteria provided, single submitter. Criteria: ACMG Guidelines, 2015. Collection method: clinical testing. Allele origin: germline.

Ambry Genetics
Classification: Likely benign for Familial thoracic aortic aneurysm and aortic dissection. Last evaluated: 2018-04-11. Review status: criteria provided, single submitter. Criteria: Ambry Variant Classification Scheme 2023. Collection method: clinical testing. Allele origin: germline.

Women's Health and Genetics/Laboratory Corporation of America, LabCorp
Classification: Benign. Last evaluated: 2017-09-25. Review status: criteria provided, single submitter. Criteria: LabCorp Variant Classification Summary - May 2015. Collection method: clinical testing. Allele origin: germline.
Comment: Variant summary: The MYH11 c.300C>T (p.Ser100Ser) variant involves the alteration of a non-conserved nucleotide, resulting in a synonymous change. One in silico tool predicts a damaging outcome for this variant. 5/5 splice prediction tools predict no significant impact on normal splicing. ESE finder predicts that this variant may affect multiple ESE sites. However, these predictions have yet to be confirmed by functional studies. This variant was found in 16/121412 control chromosomes at a frequency of 0.0001318, which is approximately 105 times the estimated maximal expected allele frequency of a pathogenic MYH11 variant (0.0000013), suggesting this variant is likely a benign polymorphism. The variant of interest has not, to our knowledge, been reported in affected individuals via publications and/or reputable databases/clinical diagnostic laboratories; nor evaluated for functional impact by in vivo/vitro studies. Taken together, this variant is classified as benign.

Clinical Genetics DNA and cytogenetics Diagnostics Lab, Erasmus MC, Erasmus Medical Center
Classification: Likely benign for Aortic aneurysm, familial thoracic 4. Last evaluated: 2017-06-28. Review status: criteria provided, single submitter. Criteria: ACGS Guidelines, 2013. Collection method: clinical testing. Allele origin: germline. Affected: yes. Study: VKGL Data-share Consensus.

GeneDx
Classification: Benign. Last evaluated: 2015-03-03. Review status: criteria provided, single submitter. Criteria: GeneDx Variant Classification Process June 2021. Collection method: clinical testing. Allele origin: germline. Affected: yes.

Genome Diagnostics Laboratory, Amsterdam University Medical Center
Classification: Likely benign for Aortic aneurysm, familial thoracic 4. Last evaluated: 2014-11-19. Review status: no assertion criteria provided. Criteria: ACGS Guidelines, 2013. Collection method: clinical testing. Allele origin: germline. Affected: yes. Study: VKGL Data-share Consensus. Not counted in ClinVar's aggregate classification.